The following is an entry in ClinVar:

NM_002468.5(MYD88):c.-26G>C

Gene: MYD88 (MYD88 innate immune signal transduction adaptor; plus strand). Cytogenetic location: 3p22.2.
Variant type: single nucleotide variant.
Coding change: c.-26G>C on transcript NM_002468.5 (MANE Select); 26 bases upstream of the start codon, G replaced by C.
Molecular consequence: 5 prime UTR variant.
Genome position (GRCh38, 1-based): chr3:38,138,675, G>C. VCF-style: chr3-38138675-G-C. GRCh37 (hg19) VCF-style: chr3-38180166-G-C.
Other names: c.-26G>C (NM_001172566.2, NM_001172567.2, NM_001172568.2 and 4 more transcripts).
Identifiers: ClinVar variation 1496949 (VCV001496949.8), dbSNP rs1700983375, ClinGen allele CA352127095.

ClinVar aggregate classification (germline): Uncertain significance (1 of 4 stars; one submission).

Conditions:
Pyogenic bacterial infections due to MyD88 deficiency (IMD68). Also called: PYOGENIC BACTERIAL INFECTIONS, RECURRENT, DUE TO MYD88 DEFICIENCY. Identifiers: Orphanet 183713, MedGen C2677092, MONDO:0012839, OMIM 612260.

Submission:

Labcorp Genetics (formerly Invitae), Labcorp
Classification: Uncertain significance for Pyogenic bacterial infections due to MyD88 deficiency. Last evaluated: 2021-04-11. Review status: criteria provided, single submitter. Criteria: Invitae Variant Classification Sherloc (09022015). Collection method: clinical testing. Allele origin: germline.
Comment: This sequence change replaces arginine with proline at codon 5 of the MYD88 protein (p.Arg5Pro). The arginine residue is weakly conserved and there is a moderate physicochemical difference between arginine and proline. In summary, the available evidence is currently insufficient to determine the role of this variant in disease. Therefore, it has been classified as a Variant of Uncertain Significance. Algorithms developed to predict the effect of missense changes on protein structure and function are either unavailable or do not agree on the potential impact of this missense change (SIFT: "Tolerated"; PolyPhen-2: "Possibly Damaging"; Align-GVGD: "Class C0"). This variant has not been reported in the literature in individuals with MYD88-related conditions. This variant is not present in population databases (ExAC no frequency).